The following is an entry in ClinVar:

ClinVar aggregate classification (germline): Uncertain significance. Review status: reviewed by expert panel (3 of 4 stars). 3 submissions from 3 submitters: Uncertain significance (1). 2 of the submissions do not count toward it. Last evaluated 2018-08-10.

Conditions:
Phenylketonuria (PKU). Also called: FOLLING DISEASE; Phenylketonuria (PKU); OLIGOPHRENIA PHENYLPYRUVICA; Phenylketonurias. Identifiers: Orphanet 716, MedGen C0031485, MONDO:0009861, OMIM 261600. Disease mechanism: loss of function.

Allele frequency attached by ClinVar (database versions not stated): gnomAD 0.00001; ExAC 0.00001; gnomAD exomes below 0.00001.

Submissions (3):

ClinGen PAH Variant Curation Expert Panel
Classification: Uncertain significance for Phenylketonuria. Last evaluated: 2018-08-10. Review status: reviewed by expert panel. Criteria: ClinGen PAH ACMG Specifications v1. Collection method: curation. Allele origin: germline. Inheritance: Autosomal recessive inheritance.
Comment: PAH-specific ACMG/AMP criteria applied: PM2: Identified a single time in gnomAD (4.06e-06) and absent in ExAC; PM4: p.Ala104_Val106del; PP4: Single patient picked up on NBS with no confirmation studies, no clinical info, no Phe levels, etc. (PMID:27308838). In summary this variant meets criteria to be classified as uncertain significance for phenylketonuria based on the ACMG/AMP criteria applied as specified by the PAH Expert Panel: (PM2, PM4, PP4).

Labcorp Genetics (formerly Invitae), Labcorp
Classification: Pathogenic for Phenylketonuria. Last evaluated: 2023-10-15. Review status: criteria provided, single submitter. Criteria: Invitae Variant Classification Sherloc (09022015). Collection method: clinical testing. Allele origin: germline. Not counted in ClinVar's aggregate classification.
Comment: This variant, c.310_318del, results in the deletion of 3 amino acid(s) of the PAH protein (p.Ala104_Val106del), but otherwise preserves the integrity of the reading frame. This variant is present in population databases (rs398123291, gnomAD 0.007%). This variant has not been reported in the literature in individuals affected with PAH-related conditions. ClinVar contains an entry for this variant (Variation ID: 92740). This variant disrupts a region of the PAH protein in which other variant(s) (p.Ala104Asp) have been determined to be pathogenic (PMID: 18299955, 22112818, 22526846, 23764561, 26666653). This suggests that this is a clinically significant region of the protein, and that variants that disrupt it are likely to be disease-causing. For these reasons, this variant has been classified as Pathogenic.

Eurofins Ntd Llc (ga)
Classification: Uncertain significance. Last evaluated: 2015-09-29. Review status: criteria provided, single submitter. Criteria: EGL Classification Definitions 2015. Collection method: clinical testing. Allele origin: germline. Observed: 1 variant allele, 1 heterozygote. Not counted in ClinVar's aggregate classification.

Literature cited by the submitters: PubMed 27308838 (cited by ClinGen PAH Variant Curation Expert Panel); PubMed 18299955 (cited by Labcorp Genetics (formerly Invitae), Labcorp); PubMed 22112818 (cited by Labcorp Genetics (formerly Invitae), Labcorp); PubMed 22526846 (cited by Labcorp Genetics (formerly Invitae), Labcorp); PubMed 23764561 (cited by Labcorp Genetics (formerly Invitae), Labcorp); PubMed 26666653 (cited by Labcorp Genetics (formerly Invitae), Labcorp).

NM_000277.3(PAH):c.310_318del (p.Ala104_Val106del)

Gene: PAH (phenylalanine hydroxylase; minus strand). Cytogenetic location: 12q23.2.
Variant type: Deletion.
Coding change: c.310_318del on transcript NM_000277.3 (MANE Select); coding-DNA positions 310 to 318, 9 bases deleted (GCCACTGTC; older notation c.310_318delGCCACTGTC).
Protein change: p.Ala104_Val106del.
Molecular consequence: inframe deletion.
Genome position (GRCh38, 1-based): chr12:102,894,769-102,894,777, GACAGTGGC deleted on the plus strand (GCCACTGTC on the coding strand, the reverse complement: PAH is on the minus strand). VCF-style (leftmost placement, unchanged base first): chr12-102894768-GGACAGTGGC-G. GRCh37 (hg19) VCF-style: chr12-103288546-GGACAGTGGC-G.
Other names: NM_000277.2(PAH):c.310_318delGCCACTGTC; c.310_318del, p.Ala104_Val106del (NM_001354304.2).
Identifiers: ClinVar variation 92740 (VCV000092740.10), dbSNP rs398123291, ClinGen allele CA220580.
Genomic context (GRCh38, chr12:102,894,768, plus strand): 5'-ATGTTGCAAAATTCCTCTAATTCTTACCTGTGTCTTTCTTCTTATCTCGTGAAAGCTCAT[GGACAGTGGC>G]ACCAATGTCATGCCTCAAGATCTTGATGATGTTTGTCAGAGCAGGCAGGCTACGTTTATC-3'